The following is an entry in ClinVar:

NM_001244008.2(KIF1A):c.713C>T (p.Thr238Met)

Gene: KIF1A (kinesin family member 1A; minus strand). Cytogenetic location: 2q37.3.
Variant type: single nucleotide variant.
Coding change: c.713C>T on transcript NM_001244008.2 (MANE Select); coding-DNA position 713, C replaced by T.
Protein change: p.Thr238Met; replaces threonine 238 with methionine.
Molecular consequence: missense variant.
Genome position (GRCh38, 1-based): chr2:240,784,996, G>A on the plus strand (C>T on the coding strand, the complement: KIF1A is on the minus strand). VCF-style: chr2-240784996-G-A. GRCh37 (hg19) VCF-style: chr2-241724413-G-A.
Other names: c.713C>T, p.Thr238Met (NM_001320705.2, NM_001330289.2, NM_001330290.2 and 20 more transcripts); short protein forms T238M.
Identifiers: ClinVar variation 1253728 (VCV001253728.8), dbSNP rs780752268, ClinGen allele CA2208698.
Genomic context (GRCh38, chr2:240,784,996, plus strand): 5'-CTGACCACCAGCCACTGCCCTTGGTGGCACCGCCTGTGAGGCCACTCACTCACCTTCTCC[G>A]TGGTGATATTGGTCTCTGCGTCATGGCGCTTCTGGGTGAAGATGATGTTGAAGACGGCGT-3'
Protein context (NP_001230937.1, residues 228-248): KRHDAETNIT[Thr238Met]EKVSKISLVD

ClinVar aggregate classification (germline): Uncertain significance. Review status: criteria provided, multiple submitters, no conflicts (2 of 4 stars). 2 submissions from 2 submitters: Uncertain significance (2). Last evaluated 2023-10-24.

Conditions:
Hereditary spastic paraplegia 30. Identifiers: Orphanet 101010, MedGen C5235139, MONDO:0012476.
Neuropathy, hereditary sensory, type 2C. Also called: KIF1A-Related HSAN2 (HSAN2C); Hereditary sensory and autonomic neuropathy type IIC. Identifiers: Orphanet 970, MedGen C3280168, MONDO:0013634, OMIM 614213.
Intellectual disability, autosomal dominant 9 (NESCAVS). Also called: NESCAV SYNDROME; KIF1A-Related Neurodevelopmental Disorder. Identifiers: Orphanet 662367, MedGen C5393830, MONDO:0013656, OMIM 614255.

Allele frequency attached by ClinVar (database versions not stated): ExAC 0.00001; gnomAD exomes 0.00001; gnomAD 0.00002; TOPMed 0.00003.

Submissions (2):

Labcorp Genetics (formerly Invitae), Labcorp
Classification: Uncertain significance for Hereditary spastic paraplegia 30; Neuropathy, hereditary sensory, type 2C; Intellectual disability, autosomal dominant 9. Last evaluated: 2023-10-24. Review status: criteria provided, single submitter. Criteria: Invitae Variant Classification Sherloc (09022015). Collection method: clinical testing. Allele origin: germline.
Comment: This sequence change replaces threonine, which is neutral and polar, with methionine, which is neutral and non-polar, at codon 238 of the KIF1A protein (p.Thr238Met). This variant is present in population databases (rs780752268, gnomAD 0.003%). This variant has not been reported in the literature in individuals affected with KIF1A-related conditions. ClinVar contains an entry for this variant (Variation ID: 1253728). Advanced modeling of protein sequence and biophysical properties (such as structural, functional, and spatial information, amino acid conservation, physicochemical variation, residue mobility, and thermodynamic stability) performed at Invitae indicates that this missense variant is expected to disrupt KIF1A protein function with a positive predictive value of 95%. In summary, the available evidence is currently insufficient to determine the role of this variant in disease. Therefore, it has been classified as a Variant of Uncertain Significance.

GeneDx
Classification: Uncertain significance. Last evaluated: 2021-09-10. Review status: criteria provided, single submitter. Criteria: GeneDx Variant Classification Process June 2021. Collection method: clinical testing. Allele origin: germline. Affected: yes.
Comment: In silico analysis supports that this missense variant has a deleterious effect on protein structure/function; Has not been previously published as pathogenic or benign to our knowledge; This variant is associated with the following publications: (PMID: 21376300, 26125038, 21820098)